The following is an entry in ClinVar:

ClinVar aggregate classification (germline): Uncertain significance (1 of 4 stars; one submission).

Conditions:
Chédiak-Higashi syndrome (CHS). Also called: Chediak-Higashi Syndrome. Identifiers: Orphanet 167, MedGen C0007965, MONDO:0008963, OMIM 214500.

Submission:

Labcorp Genetics (formerly Invitae), Labcorp
Classification: Uncertain significance for Chédiak-Higashi syndrome. Last evaluated: 2018-02-07. Review status: criteria provided, single submitter. Criteria: Invitae Variant Classification Sherloc (09022015). Collection method: clinical testing. Allele origin: germline.
Comment: In summary, the available evidence is currently insufficient to determine the role of this variant in disease. Therefore, it has been classified as a Variant of Uncertain Significance. Algorithms developed to predict the effect of missense changes on protein structure and function do not agree on the potential impact of this missense change (SIFT: "Tolerated"; PolyPhen-2: "Probably Damaging"; Align-GVGD: "Class C0"). This variant has not been reported in the literature in individuals with LYST-related disease. This variant is not present in population databases (ExAC no frequency). This sequence change replaces serine with proline at codon 3760 of the LYST protein (p.Ser3760Pro). The serine residue is moderately conserved and there is a moderate physicochemical difference between serine and proline.

NM_000081.4(LYST):c.11278T>C (p.Ser3760Pro)

Gene: LYST (lysosomal trafficking regulator; minus strand). Cytogenetic location: 1q42.3.
Variant type: single nucleotide variant.
Coding change: c.11278T>C on transcript NM_000081.4 (MANE Select); coding-DNA position 11278, T replaced by C.
Protein change: p.Ser3760Pro; replaces serine 3760 with proline.
Molecular consequence: missense variant.
Genome position (GRCh38, 1-based): chr1:235,663,068, A>G on the plus strand (T>C on the coding strand, the complement: LYST is on the minus strand). VCF-style: chr1-235663068-A-G. GRCh37 (hg19) VCF-style: chr1-235826368-A-G.
Other names: c.11278T>C, p.Ser3760Pro (NM_001301365.1); short protein forms S3760P.
Identifiers: ClinVar variation 570750 (VCV000570750.5), dbSNP rs2527066009, ClinGen allele CA344984453.